The following is an entry in ClinVar:

ClinVar aggregate classification (germline): Uncertain significance (1 of 4 stars; one submission).

Conditions:
RYR1-related disorder. Also called: RYR1-related condition; RYR1-related disorders. Identifiers: MedGen CN239331.

Submission:

Labcorp Genetics (formerly Invitae), Labcorp
Classification: Uncertain significance for RYR1-related disorder. Last evaluated: 2026-01-26. Review status: criteria provided, single submitter. Criteria: Invitae Variant Classification Sherloc (09022015). Collection method: clinical testing. Allele origin: germline.
Comment: This sequence change replaces glutamine, which is neutral and polar, with histidine, which is basic and polar, at codon 3969 of the RYR1 protein (p.Gln3969His). This variant also falls at the last nucleotide of exon 86, which is part of the consensus splice site for this exon. This variant is not present in population databases (gnomAD no frequency). This variant has not been reported in the literature in individuals affected with RYR1-related conditions. An algorithm developed to predict the effect of missense changes on protein structure and function (PolyPhen-2) suggests that this variant is likely to be tolerated. Variants that disrupt the consensus splice site are a relatively common cause of aberrant splicing (PMID: 17576681, 9536098). Algorithms developed to predict the effect of sequence changes on RNA splicing suggest that this variant may disrupt the consensus splice site. In summary, the available evidence is currently insufficient to determine the role of this variant in disease. Therefore, it has been classified as a Variant of Uncertain Significance.

Literature cited by the submitters: PubMed 17576681; PubMed 9536098.

NM_000540.3(RYR1):c.11907G>C (p.Gln3969His)

Gene: RYR1 (ryanodine receptor 1; plus strand). Cytogenetic location: 19q13.2.
Variant type: single nucleotide variant.
Coding change: c.11907G>C on transcript NM_000540.3 (MANE Select); coding-DNA position 11907, G replaced by C.
Protein change: p.Gln3969His; replaces glutamine 3969 with histidine.
Molecular consequence: missense variant.
Genome position (GRCh38, 1-based): chr19:38,543,660, G>C. VCF-style: chr19-38543660-G-C. GRCh37 (hg19) VCF-style: chr19-39034300-G-C.
Other names: c.11892G>C, p.Gln3964His (NM_001042723.2); short protein forms Q3964H, Q3969H.
Identifiers: ClinVar variation 4736274 (VCV004736274.1).